The following is an entry in ClinVar:

ClinVar aggregate classification (germline): Likely benign (0 of 4 stars; one submission).

Conditions:
ITSN2-related disorder. Also called: ITSN2-related condition.

Allele frequency attached by ClinVar (database versions not stated): gnomAD 0.00008; TOPMed 0.00024; ExAC 0.00039.
gnomAD v4.1: 153 of 1,613,888 alleles (0.0095%); highest among the groups gnomAD compares: Admixed American, 0.24%; no homozygotes.

Submission:

PreventionGenetics, part of Exact Sciences
Classification: Likely benign for ITSN2-related condition. Last evaluated: 2021-04-28. Review status: no assertion criteria provided. Collection method: clinical testing. Allele origin: germline.
Comment: This variant is classified as likely benign based on ACMG/AMP sequence variant interpretation guidelines (Richards et al. 2015 PMID: 25741868, with internal and published modifications).

NM_006277.3(ITSN2):c.4955A>C (p.Glu1652Ala)

Gene: ITSN2 (intersectin 2; minus strand). Cytogenetic location: 2p23.3.
Variant type: single nucleotide variant.
Coding change: c.4955A>C on transcript NM_006277.3 (MANE Select); coding-DNA position 4955, A replaced by C.
Protein change: p.Glu1652Ala; replaces glutamic acid 1652 with alanine.
Molecular consequence: missense variant.
Genome position (GRCh38, 1-based): chr2:24,203,765, T>G on the plus strand (A>C on the coding strand, the complement: ITSN2 is on the minus strand). VCF-style: chr2-24203765-T-G. GRCh37 (hg19) VCF-style: chr2-24426634-T-G.
Other names: c.4913A>C, p.Glu1638Ala (NM_001348181.2); c.4835A>C, p.Glu1612Ala (NM_001348182.2); c.4874A>C, p.Glu1625Ala (NM_019595.4); short protein forms E1612A, E1625A, E1638A, E1652A.
Identifiers: ClinVar variation 3054173 (VCV003054173.2), dbSNP rs202091169, ClinGen allele CA1550340.